The following is an entry in ClinVar:

ClinVar aggregate classification (germline): Conflicting classifications of pathogenicity. Review status: criteria provided, conflicting classifications (1 of 4 stars). 2 submissions from 2 submitters: Uncertain significance (1); Likely benign (1). Last evaluated 2024-09-26.

Conditions:
Inborn genetic diseases. Identifiers: MedGen C0950123, MeSH D030342.

Allele frequency attached by ClinVar (database versions not stated): TOPMed below 0.00001; ExAC 0.00001; gnomAD exomes 0.00001; ESP Exome Variant Server 0.00008.

Submissions (2):

Ambry Genetics
Classification: Likely benign for Inborn genetic diseases. Last evaluated: 2024-09-26. Review status: criteria provided, single submitter. Criteria: Ambry Variant Classification Scheme 2023. Collection method: clinical testing. Allele origin: germline.

Labcorp Genetics (formerly Invitae), Labcorp
Classification: Uncertain significance. Last evaluated: 2022-10-17. Review status: criteria provided, single submitter. Criteria: Invitae Variant Classification Sherloc (09022015). Collection method: clinical testing. Allele origin: germline.
Comment: This sequence change replaces serine, which is neutral and polar, with asparagine, which is neutral and polar, at codon 97 of the VPS33B protein (p.Ser97Asn). This variant is present in population databases (rs377431744, gnomAD 0.0009%). This variant has not been reported in the literature in individuals affected with VPS33B-related conditions. Algorithms developed to predict the effect of missense changes on protein structure and function output the following: SIFT: "Not Available"; PolyPhen-2: "Benign"; Align-GVGD: "Not Available". The asparagine amino acid residue is found in multiple mammalian species, which suggests that this missense change does not adversely affect protein function. In summary, the available evidence is currently insufficient to determine the role of this variant in disease. Therefore, it has been classified as a Variant of Uncertain Significance.

NM_018668.5(VPS33B):c.290G>A (p.Ser97Asn)

Gene: VPS33B (VPS33B late endosome and lysosome associated; minus strand). Cytogenetic location: 15q26.1.
Variant type: single nucleotide variant.
Coding change: c.290G>A on transcript NM_018668.5 (MANE Select); coding-DNA position 290, G replaced by A.
Protein change: p.Ser97Asn; replaces serine 97 with asparagine.
Molecular consequence: missense variant.
Genome position (GRCh38, 1-based): chr15:91,013,871, C>T on the plus strand (G>A on the coding strand, the complement: VPS33B is on the minus strand). VCF-style: chr15-91013871-C-T. GRCh37 (hg19) VCF-style: chr15-91557101-C-T.
Other names: c.290G>A (NM_018668.3); c.209G>A, p.Ser70Asn (NM_001289148.1); c.17G>A, p.Ser6Asn (NM_001289149.1); short protein forms S6N, S97N, S70N.
Identifiers: ClinVar variation 1929022 (VCV001929022.6), dbSNP rs377431744, ClinGen allele CA7745118.